The following is an entry in ClinVar:

NM_000302.4(PLOD1):c.1667A>G (p.Tyr556Cys)

Gene: PLOD1 (procollagen-lysine,2-oxoglutarate 5-dioxygenase 1; plus strand). Cytogenetic location: 1p36.22.
Variant type: single nucleotide variant.
Coding change: c.1667A>G on transcript NM_000302.4 (MANE Select); coding-DNA position 1667, A replaced by G.
Protein change: p.Tyr556Cys; replaces tyrosine 556 with cysteine.
Molecular consequence: missense variant.
Genome position (GRCh38, 1-based): chr1:11,967,003, A>G. VCF-style: chr1-11967003-A-G. GRCh37 (hg19) VCF-style: chr1-12027060-A-G.
Other names: c.1808A>G, p.Tyr603Cys (NM_001316320.2); short protein forms Y556C, Y603C.
Identifiers: ClinVar variation 451743 (VCV000451743.66), dbSNP rs146360295, ClinGen allele CA598515.

ClinVar aggregate classification (germline): Uncertain significance. Review status: criteria provided, multiple submitters, no conflicts (2 of 4 stars). 9 submissions from 9 submitters: Uncertain significance (9). Last evaluated 2025-09-15.

Conditions:
Ehlers-Danlos syndrome, kyphoscoliotic type 1 (EDSKSCL1). Also called: Ehlers-Danlos syndrome, hydroxylysine-deficient; EHLERS-DANLOS SYNDROME, OCULAR-SCOLIOTIC TYPE; PLOD1-Related Kyphoscoliotic Ehlers-Danlos Syndrome; EHLERS-DANLOS SYNDROME, TYPE VIA. Identifiers: Orphanet 1900, MedGen C0268342, MONDO:0016002, OMIM 225400. Disease mechanism: loss of function.
Familial thoracic aortic aneurysm and aortic dissection (TAAD). Also called: Thoracic aortic aneurysms and dissections. Identifiers: Orphanet 91387, MedGen C4707243, MONDO:0019625.

Allele frequency attached by ClinVar (database versions not stated): gnomAD 0.00015 and 0.00016; 1000 Genomes Project 30x 0.00016; 1000 Genomes Project 0.00020; ESP Exome Variant Server 0.00023; gnomAD exomes 0.00008 and 0.00010; ExAC 0.00011; TOPMed 0.00012.
gnomAD v4.1: 162 of 1,612,766 alleles (0.01%); highest among the groups gnomAD compares: African/African-American, 0.031%; no homozygotes.

Submissions (9):

Mayo Clinic Laboratories, Mayo Clinic
Classification: Uncertain significance. Last evaluated: 2025-09-15. Review status: criteria provided, single submitter. Criteria: ACMG Guidelines, 2015. Collection method: clinical testing. Allele origin: germline. Observed: 5 variant alleles.
Comment: PP3_strong

Women's Health and Genetics/Laboratory Corporation of America, LabCorp
Classification: Uncertain significance. Last evaluated: 2025-08-20. Review status: criteria provided, single submitter. Criteria: LabCorp Variant Classification Summary - May 2015. Collection method: clinical testing. Allele origin: germline.
Comment: Variant summary: PLOD1 c.1667A>G (p.Tyr556Cys) results in a non-conservative amino acid change in the encoded protein sequence. Algorithms developed to predict the effect of missense changes on protein structure and function all suggest that this variant is likely to be disruptive. The variant allele was found at a frequency of 7.6e-05 in 251418 control chromosomes. This frequency is not significantly higher than estimated for a pathogenic variant in PLOD1 causing Ehlers-Danlos Syndrome Type VI (7.6e-05 vs 0.0016), allowing no conclusion about variant significance. To our knowledge, no occurrence of c.1667A>G in individuals affected with Ehlers-Danlos Syndrome Type VI and no experimental evidence demonstrating its impact on protein function have been reported. ClinVar contains an entry for this variant (Variation ID: 451743). Based on the evidence outlined above, the variant was classified as uncertain significance.

Ambry Genetics
Classification: Uncertain significance for Familial thoracic aortic aneurysm and aortic dissection. Last evaluated: 2025-07-31. Review status: criteria provided, single submitter. Criteria: Ambry Variant Classification Scheme 2023. Collection method: clinical testing. Allele origin: germline.
Comment: The p.Y556C variant (also known as c.1667A>G), located in coding exon 16 of the PLOD1 gene, results from an A to G substitution at nucleotide position 1667. The tyrosine at codon 556 is replaced by cysteine, an amino acid with highly dissimilar properties. This amino acid position is highly conserved in available vertebrate species. In addition, this alteration is predicted to be deleterious by in silico analysis. Since supporting evidence is limited at this time, the clinical significance of this alteration remains unclear.

GeneDx
Classification: Uncertain significance. Last evaluated: 2024-10-21. Review status: criteria provided, single submitter. Criteria: GeneDx Variant Classification Process June 2021. Collection method: clinical testing. Allele origin: germline. Affected: yes.
Comment: Has not been previously published as pathogenic or benign to our knowledge; In silico analysis supports that this missense variant has a deleterious effect on protein structure/function

Blueprint Genetics
Classification: Uncertain significance. Last evaluated: 2024-09-02. Review status: criteria provided, single submitter. Criteria: ACMG Guidelines, 2015. Collection method: clinical testing. Allele origin: germline.

Labcorp Genetics (formerly Invitae), Labcorp
Classification: Uncertain significance for Ehlers-Danlos syndrome, kyphoscoliotic type 1. Last evaluated: 2022-08-16. Review status: criteria provided, single submitter. Criteria: Invitae Variant Classification Sherloc (09022015). Collection method: clinical testing. Allele origin: germline.
Comment: This sequence change replaces tyrosine, which is neutral and polar, with cysteine, which is neutral and slightly polar, at codon 556 of the PLOD1 protein (p.Tyr556Cys). This variant is present in population databases (rs146360295, gnomAD 0.04%). This variant has not been reported in the literature in individuals affected with PLOD1-related conditions. ClinVar contains an entry for this variant (Variation ID: 451743). Algorithms developed to predict the effect of missense changes on protein structure and function (SIFT, PolyPhen-2, Align-GVGD) all suggest that this variant is likely to be disruptive. In summary, the available evidence is currently insufficient to determine the role of this variant in disease. Therefore, it has been classified as a Variant of Uncertain Significance.

Fulgent Genetics
Classification: Uncertain significance for Ehlers-Danlos syndrome, kyphoscoliotic type 1. Last evaluated: 2022-04-05. Review status: criteria provided, single submitter. Criteria: ACMG Guidelines, 2015. Collection method: clinical testing. Allele origin: unknown.

CeGaT Center for Human Genetics Tuebingen
Classification: Uncertain significance. Last evaluated: 2019-08-01. Review status: criteria provided, single submitter. Criteria: CeGaT Center For Human Genetics Tuebingen Variant Classification Criteria Version 2. Collection method: clinical testing. Allele origin: germline. Affected: yes. Observed: 1 variant allele.

Breakthrough Genomics
Classification: Uncertain significance. Review status: criteria provided, single submitter. Criteria: ACMG Guidelines, 2015. Collection method: not provided. Allele origin: germline. Inheritance: Autosomal recessive inheritance. Affected: yes.